The following continues an entry in ClinVar:

NM_000518.5(HBB):c.92+1G>A

ClinVar aggregate classification (germline): Pathogenic. Pathogenic (33).

Submissions 29 to 39 of 39:

Women's Health and Genetics/Laboratory Corporation of America, LabCorp
Classification: Pathogenic for beta Thalassemia. Last evaluated: 2019-04-15. Review status: criteria provided, single submitter. Criteria: LabCorp Variant Classification Summary - May 2015. Collection method: clinical testing. Allele origin: germline.
Comment: Variant summary: HBB c.92+1G>A is located in a canonical splice-site and is predicted to affect mRNA splicing resulting in a significantly altered protein due to either exon skipping, shortening, or inclusion of intronic material. Several computational tools predict a significant impact on normal splicing: four predict the variant abolishes a 5' splicing donor site. At least one publication reports experimental evidence confirming this prediction, demonstrating that this variant abolishes correct mRNA splicing (Treisman 1983). The variant allele was found at a frequency of 9.5e-05 in 251366 control chromosomes (gnomAD). This frequency is not higher than expected for a pathogenic variant in HBB causing Beta Thalassemia Major (9.5e-05 vs 0.011). The variant, c.92+1G>A, was reported in the literature and in multiple databases as a common disease variant, found in several homozygous and compound heterozygous individuals affected with Beta Thalassemia Major (e.g. Faustino 1992, Shalitin 2005, Lahiry 2008). Seven clinical diagnostic laboratories have submitted clinical-significance assessments for this variant to ClinVar after 2014 without evidence for independent evaluation. All laboratories classified the variant as pathogenic. Based on the evidence outlined above, the variant was classified as pathogenic.

Eurofins Ntd Llc (ga)
Classification: Pathogenic. Last evaluated: 2017-01-13. Review status: criteria provided, single submitter. Criteria: EGL Classification Definitions 2015. Collection method: clinical testing. Allele origin: germline. Observed: 1 variant allele, 1 heterozygote.

Baylor Genetics
Classification: Pathogenic for Hb SS disease. Review status: criteria provided, single submitter. Criteria: ACMG Guidelines, 2015. Collection method: clinical testing. Allele origin: germline.

Foundation for Research in Genetics and Endocrinology, FRIGE's Institute of Human Genetics
Classification: Pathogenic for Beta-thalassemia HBB/LCRB. Review status: criteria provided, single submitter. Criteria: ACMG Guidelines, 2015. Collection method: clinical testing. Allele origin: unknown. Inheritance: Autosomal recessive inheritance. Affected: yes. Observed: 1 heterozygote.
Comment: A heterozygous 5' splice site variation in intron 1 of the HBB gene that affects the invariant GT donor splice site of exon 1 was detected. The variant has previously been reported in patients with beta thalassemia. The observed variant has not been reported in the 1000 genomes and gnomAD databases and has a minor allele frequency of 0.04% in our internal database. The reference base is conserved across species.

Neuberg Centre For Genomic Medicine, NCGM
Classification: Pathogenic for Beta-thalassemia HBB/LCRB. Review status: criteria provided, single submitter. Criteria: ACMG Guidelines, 2015. Collection method: clinical testing. Allele origin: germline. Affected: yes.
Comment: The splice donor variant c.92+1G>A in HBB (NM_000518.5) has been reported in multiple individuals with beta thalassemia (Aldemir O et al; Thein SL et al). The variant has been reported in ClinVar as Pathogenic. This variant affects an invariant splice nucelotide and is predicted to affect protein function. For these reasons, this variant has been classified as Pathogenic.

Zotz-Klimas Genetics Lab, MVZ Zotz Klimas
Classification: Pathogenic for Beta-thalassemia HBB/LCRB. Last evaluated: 2023-10-09. Review status: no assertion criteria provided. Collection method: clinical testing. Allele origin: germline. Affected: yes. Not counted in ClinVar's aggregate classification.

The ITHANET community portal, The Cyprus Institute of Neurology and Genetics
Classification: Pathogenic for beta Thalassemia. Last evaluated: 2019-11-25. Review status: no assertion criteria provided. Collection method: curation. Allele origin: germline. Not counted in ClinVar's aggregate classification.

OMIM
Classification: Pathogenic for BETA-ZERO-THALASSEMIA. Last evaluated: 1982-04-15. Review status: no assertion criteria provided. Collection method: literature only. Allele origin: germline. Not counted in ClinVar's aggregate classification.

GeneReviews
No classification provided. Condition: beta Thalassemia. Review status: no classification provided. Collection method: literature only. Allele origin: germline. Not counted in ClinVar's aggregate classification.

Genome Diagnostics Laboratory, University Medical Center Utrecht
Classification: Pathogenic. Review status: no assertion criteria provided. Collection method: clinical testing. Allele origin: germline. Affected: yes. Study: VKGL Data-share Consensus. Not counted in ClinVar's aggregate classification.

Joint Genome Diagnostic Labs from Nijmegen and Maastricht, Radboudumc and MUMC+
Classification: Pathogenic. Review status: no assertion criteria provided. Collection method: clinical testing. Allele origin: germline. Affected: yes. Study: VKGL Data-share Consensus. Not counted in ClinVar's aggregate classification.

Literature cited by the submitters: PubMed 16199547 (cited by Labcorp Genetics (formerly Invitae), Labcorp); PubMed 23637309 (cited by Labcorp Genetics (formerly Invitae), Labcorp); PubMed 2200760 (cited by 7 submitters); PubMed 28366028 (cited by 5 submitters); PubMed 28391758 (cited by 6 submitters); PubMed 31788855 (cited by Victorian Clinical Genetics Services, Murdoch Childrens Research Institute); PubMed 20301599 (cited by Victorian Clinical Genetics Services, Murdoch Childrens Research Institute); PubMed 29700171 (cited by Victorian Clinical Genetics Services, Murdoch Childrens Research Institute); PubMed 32165295 (cited by Victorian Clinical Genetics Services, Murdoch Childrens Research Institute); PubMed 1634236 (cited by 4 submitters); PubMed 28670942 (cited by Dasa); PubMed 23321370 (cited by Dasa); PubMed 9163586 (cited by Center for Genomic Medicine, Rigshospitalet, Copenhagen University Hospital and AiLife Diagnostics); PubMed 6188062 (cited by 4 submitters); PubMed 1390250 (cited by 5 submitters); PubMed 6280057 (cited by 4 submitters); PubMed 8602996 (cited by 4 submitters); PubMed 25155404 (cited by Quest Diagnostics Nichols Institute San Juan Capistrano); PubMed 38708170 (cited by Quest Diagnostics Nichols Institute San Juan Capistrano); PubMed 34794358 (cited by Quest Diagnostics Nichols Institute San Juan Capistrano); PubMed 33947296 (cited by Quest Diagnostics Nichols Institute San Juan Capistrano and Ambry Genetics); PubMed 30843739 (cited by Quest Diagnostics Nichols Institute San Juan Capistrano and AiLife Diagnostics); PubMed 34915846 (cited by Quest Diagnostics Nichols Institute San Juan Capistrano); PubMed 32589702 (cited by Quest Diagnostics Nichols Institute San Juan Capistrano); PubMed 20395516 (cited by Ambry Genetics); PubMed 27453201 (cited by Genetics and Molecular Pathology, SA Pathology); PubMed 24777453 (cited by AiLife Diagnostics); PubMed 21228398 (cited by AiLife Diagnostics); PubMed 31589614 (cited by AiLife Diagnostics); PubMed 2577233 (cited by AiLife Diagnostics); PubMed 34426522 (cited by AiLife Diagnostics); PubMed 22975760 (cited by AiLife Diagnostics); PubMed 9586437 (cited by AiLife Diagnostics); PubMed 23348723 (cited by AiLife Diagnostics); PubMed 31718331 (cited by AiLife Diagnostics); PubMed 31890591 (cited by AiLife Diagnostics); PubMed 25087612 (cited by AiLife Diagnostics); PubMed 25525159 (cited by AiLife Diagnostics); PubMed 1769663 (cited by Women's Health and Genetics/Laboratory Corporation of America, LabCorp); PubMed 6190800 (cited by Women's Health and Genetics/Laboratory Corporation of America, LabCorp); PubMed 14576320 (cited by Women's Health and Genetics/Laboratory Corporation of America, LabCorp); PubMed 15654898 (cited by Women's Health and Genetics/Laboratory Corporation of America, LabCorp); NCBI Bookshelf NBK1426 (cited by GeneReviews).